The following is an entry in ClinVar:

ClinVar aggregate classification (germline): Likely benign (1 of 4 stars; one submission).

Allele frequency attached by ClinVar (database versions not stated): TOPMed 0.00001.
gnomAD v4.1: 18 of 1,535,844 alleles (0.0012%); highest among the groups gnomAD compares: Middle Eastern, 0.22%; no homozygotes.

Submission:

CeGaT Center for Human Genetics Tuebingen
Classification: Likely benign. Last evaluated: 2022-04-01. Review status: criteria provided, single submitter. Criteria: CeGaT Center For Human Genetics Tuebingen Variant Classification Criteria Version 2. Collection method: clinical testing. Allele origin: germline. Affected: yes. Observed: 1 variant allele.
Comment: STARD9: BP4, BP7

NM_020759.3(STARD9):c.12621A>G (p.Ser4207=)

Gene: STARD9 (StAR related lipid transfer domain containing 9; plus strand). Cytogenetic location: 15q15.2.
Variant type: single nucleotide variant.
Coding change: c.12621A>G on transcript NM_020759.3 (MANE Select); coding-DNA position 12621, A replaced by G.
Protein change: p.Ser4207=; no amino-acid change (serine 4207 retained).
Molecular consequence: synonymous variant.
Genome position (GRCh38, 1-based): chr15:42,694,199, A>G. VCF-style: chr15-42694199-A-G. GRCh37 (hg19) VCF-style: chr15-42986397-A-G.
Identifiers: ClinVar variation 2645249 (VCV002645249.24), dbSNP rs866459535, ClinGen allele CA269904662.
Genomic context (GRCh38, chr15:42,694,199, plus strand): 5'-GGATTCTGAGTGGTCCAAGAGGGAGCAGATCCCCCTGCAAGTTGGGGCCCAGAACCTCTC[A>G]CTCAGCGTGGAACTCACAGAAGCGAAACTGCACCATGGCTTTGGGGAGGCCGATGCCCTG-3'
Protein context (NP_065810.2, residues 4197-4217): IPLQVGAQNL[Ser4207=]LSVELTEAKL